The following is an entry in ClinVar:

ClinVar aggregate classification (germline): Conflicting classifications of pathogenicity. Review status: criteria provided, conflicting classifications (1 of 4 stars). 5 submissions from 5 submitters: Uncertain significance (2); Likely benign (3). Last evaluated 2025-04-21.

Conditions:
Hereditary diffuse gastric adenocarcinoma (HDGC). Also called: DIFFUSE GASTRIC AND LOBULAR BREAST CANCER SYNDROME. Identifiers: Orphanet 26106, MedGen C1708349, MONDO:0007648, OMIM 137215.
Blepharocheilodontic syndrome 1 (BCDS1). Identifiers: Orphanet 1997, MedGen C4551988, MONDO:0054740, OMIM 119580.
Familial cancer of breast. Also called: BREAST CANCER, FAMILIAL; hereditary breast carcinoma; Hereditary breast cancer. Identifiers: Orphanet 227535, MedGen C0346153, MONDO:0016419, OMIM 114480. Disease mechanism: loss of function.
Endometrial carcinoma. Also called: Endometrial carcinoma, somatic. Identifiers: MedGen C0476089, MONDO:0002447, OMIM 608089, HP:0012114.
Ovarian cancer. Also called: OVARIAN CANCER, SOMATIC. Identifiers: Orphanet 213500, MedGen C1140680, MONDO:0008170, OMIM 167000.
Hereditary cancer-predisposing syndrome. Also called: Tumor predisposition; Neoplastic Syndromes, Hereditary; Hereditary Cancer Syndrome; Hereditary neoplastic syndrome. Identifiers: Orphanet 140162, MedGen C0027672, MeSH D009386, MONDO:0015356.

gnomAD v4.1: 5 of 1,613,060 alleles (0.00031%); highest among the groups gnomAD compares: Non-Finnish European, 0.00042%; no homozygotes.

Submissions (5):

Labcorp Genetics (formerly Invitae), Labcorp
Classification: Likely benign for Hereditary diffuse gastric adenocarcinoma. Last evaluated: 2025-04-21. Review status: criteria provided, single submitter. Criteria: Invitae Variant Classification Sherloc (09022015). Collection method: clinical testing. Allele origin: germline.

Myriad Genetics, Inc.
Classification: Likely benign for Hereditary diffuse gastric adenocarcinoma. Last evaluated: 2024-09-19. Review status: criteria provided, single submitter. Criteria: Myriad Autosomal Dominant, Autosomal Recessive and X-Linked Classification Criteria (2023). Collection method: clinical testing. Allele origin: unknown.
Comment: This variant is considered likely benign. This variant is intronic and is not expected to impact mRNA splicing.

Quest Diagnostics Nichols Institute San Juan Capistrano
Classification: Uncertain significance. Last evaluated: 2023-05-04. Review status: criteria provided, single submitter. Criteria: Quest Diagnostics criteria. Collection method: clinical testing. Allele origin: unknown.
Comment: To the best of our knowledge, the variant has not been reported in the published literature. It also has not been reported in large, multi-ethnic general populations. Analysis of this variant using software algorithms for the prediction of the effect of nucleotide changes on splicing yielded predictions that this variant does not affect CDH1 mRNA splicing . Based on the available information, we are unable to determine the clinical significance of this variant.

Department of Pathology and Laboratory Medicine, Sinai Health System
Classification: Uncertain significance for Familial cancer of breast; Blepharocheilodontic syndrome 1; Hereditary diffuse gastric adenocarcinoma; Ovarian cancer; Endometrial carcinoma. Last evaluated: 2019-11-15. Review status: criteria provided, single submitter. Criteria: ACMG Guidelines, 2015. Collection method: clinical testing. Allele origin: germline. Affected: no.

Color Diagnostics, LLC DBA Color Health
Classification: Likely benign for Hereditary cancer-predisposing syndrome. Last evaluated: 2015-09-22. Review status: criteria provided, single submitter. Criteria: ACMG Guidelines, 2015. Collection method: clinical testing. Allele origin: germline.

NM_004360.5(CDH1):c.1711+7G>A

Gene: CDH1 (cadherin 1; plus strand). Cytogenetic location: 16q22.1.
Variant type: single nucleotide variant.
Coding change: c.1711+7G>A on transcript NM_004360.5 (MANE Select); 7 bases into the intron after coding-DNA position 1711, G replaced by A.
Molecular consequence: intron variant.
Genome position (GRCh38, 1-based): chr16:68,819,432, G>A. VCF-style: chr16-68819432-G-A. GRCh37 (hg19) VCF-style: chr16-68853335-G-A.
Other names: c.163+7G>A (NM_001317185.2); c.-254-2569G>A (NM_001317186.2); c.1528+7G>A (NM_001317184.2).
Identifiers: ClinVar variation 491512 (VCV000491512.15), dbSNP rs762005138, ClinGen allele CA658683958.